The following is an entry in ClinVar:

NM_001851.6(COL9A1):c.2439G>A (p.Met813Ile)

Gene: COL9A1 (collagen type IX alpha 1 chain; minus strand). Cytogenetic location: 6q13.
Variant type: single nucleotide variant.
Coding change: c.2439G>A on transcript NM_001851.6 (MANE Select); coding-DNA position 2439, G replaced by A.
Protein change: p.Met813Ile; replaces methionine 813 with isoleucine.
Molecular consequence: missense variant. On other transcripts: non-coding transcript variant (1).
Genome position (GRCh38, 1-based): chr6:70,232,647, C>T on the plus strand (G>A on the coding strand, the complement: COL9A1 is on the minus strand). VCF-style: chr6-70232647-C-T. GRCh37 (hg19) VCF-style: chr6-70942350-C-T.
Other names: c.1740G>A, p.Met580Ile (NM_001377289.1); c.1563G>A, p.Met521Ile (NM_001377290.1); c.1710G>A, p.Met570Ile (NM_078485.4); short protein forms M813I, M521I, M570I, M580I.
Identifiers: ClinVar variation 1469037 (VCV001469037.6), dbSNP rs747652928, ClinGen allele CA3881769.

ClinVar aggregate classification (germline): Uncertain significance (1 of 4 stars; one submission).

Allele frequency attached by ClinVar (database versions not stated): gnomAD exomes below 0.00001; ExAC 0.00001.
gnomAD v4.1: 1 of 1,614,072 alleles (0.000062%); no homozygotes.

Submission:

Labcorp Genetics (formerly Invitae), Labcorp
Classification: Uncertain significance. Last evaluated: 2022-02-24. Review status: criteria provided, single submitter. Criteria: Invitae Variant Classification Sherloc (09022015). Collection method: clinical testing. Allele origin: germline.
Comment: In summary, the available evidence is currently insufficient to determine the role of this variant in disease. Therefore, it has been classified as a Variant of Uncertain Significance. Advanced modeling of protein sequence and biophysical properties (such as structural, functional, and spatial information, amino acid conservation, physicochemical variation, residue mobility, and thermodynamic stability) performed at Invitae indicates that this missense variant is not expected to disrupt COL9A1 protein function. This variant has not been reported in the literature in individuals affected with COL9A1-related conditions. This variant is present in population databases (rs747652928, gnomAD 0.01%). This sequence change replaces methionine, which is neutral and non-polar, with isoleucine, which is neutral and non-polar, at codon 813 of the COL9A1 protein (p.Met813Ile).